The following is an entry in ClinVar:

ClinVar aggregate classification (germline): Uncertain significance. Review status: criteria provided, multiple submitters, no conflicts (2 of 4 stars). 2 submissions from 2 submitters: Uncertain significance (2). Last evaluated 2026-02-03.

gnomAD v4.1: 2 of 1,613,726 alleles (0.00012%); highest among the groups gnomAD compares: Admixed American, 0.0017%; no homozygotes.

Submissions (2):

Labcorp Genetics (formerly Invitae), Labcorp
Classification: Uncertain significance. Last evaluated: 2026-02-03. Review status: criteria provided, single submitter. Criteria: Invitae Variant Classification Sherloc (09022015). Collection method: clinical testing. Allele origin: germline.
Comment: This sequence change replaces glycine, which is neutral and non-polar, with serine, which is neutral and polar, at codon 131 of the DEAF1 protein (p.Gly131Ser). This variant is present in population databases (no rsID available, gnomAD 0.003%). This variant has not been reported in the literature in individuals affected with DEAF1-related conditions. ClinVar contains an entry for this variant (Variation ID: 3620556). Invitae Evidence Modeling of protein sequence and biophysical properties (such as structural, functional, and spatial information, amino acid conservation, physicochemical variation, residue mobility, and thermodynamic stability) has been performed for this missense variant. However, the output from this modeling did not meet the statistical confidence thresholds required to predict the impact of this variant on DEAF1 protein function. In summary, the available evidence is currently insufficient to determine the role of this variant in disease. Therefore, it has been classified as a Variant of Uncertain Significance.

Women's Health and Genetics/Laboratory Corporation of America, LabCorp
Classification: Uncertain significance. Last evaluated: 2025-03-07. Review status: criteria provided, single submitter. Criteria: LabCorp Variant Classification Summary - May 2015. Collection method: clinical testing. Allele origin: germline.
Comment: Variant summary: DEAF1 c.391G>A (p.Gly131Ser) results in a non-conservative amino acid change in the encoded protein sequence. Three of five in-silico tools predict a damaging effect of the variant on protein function. The variant allele was found at a frequency of 4e-06 in 250936 control chromosomes. The available data on variant occurrences in the general population are insufficient to allow any conclusion about variant significance. To our knowledge, no occurrence of c.391G>A in individuals affected with Mental Retardation, Autosomal Dominant 24 and no experimental evidence demonstrating its impact on protein function have been reported. ClinVar contains an entry for this variant (Variation ID: 3620556). Based on the evidence outlined above, the variant was classified as uncertain significance.

NM_021008.4(DEAF1):c.391G>A (p.Gly131Ser)

Gene: DEAF1 (DEAF1 transcription factor; minus strand). Cytogenetic location: 11p15.5.
Variant type: single nucleotide variant.
Coding change: c.391G>A on transcript NM_021008.4 (MANE Select); coding-DNA position 391, G replaced by A.
Protein change: p.Gly131Ser; replaces glycine 131 with serine.
Molecular consequence: missense variant. On other transcripts: 5 prime UTR variant (1).
Genome position (GRCh38, 1-based): chr11:688,457, C>T on the plus strand (G>A on the coding strand, the complement: DEAF1 is on the minus strand). VCF-style: chr11-688457-C-T. GRCh37 (hg19) VCF-style: chr11-688457-C-T.
Other names: c.391G>A, p.Gly131Ser (NM_001293634.2); c.-336G>A (NM_001367390.1); short protein forms G131S.
Identifiers: ClinVar variation 3620556 (VCV003620556.3).